The following is an entry in ClinVar:

ClinVar aggregate classification (germline): Uncertain significance (1 of 4 stars; one submission).

gnomAD v4.1: 38 of 1,613,856 alleles (0.0024%); highest among the groups gnomAD compares: South Asian, 0.021%; no homozygotes.

Submission:

Labcorp Genetics (formerly Invitae), Labcorp
Classification: Uncertain significance. Last evaluated: 2025-02-09. Review status: criteria provided, single submitter. Criteria: Invitae Variant Classification Sherloc (09022015). Collection method: clinical testing. Allele origin: germline.
Comment: This sequence change replaces arginine, which is basic and polar, with histidine, which is basic and polar, at codon 2239 of the ANK3 protein (p.Arg2239His). This variant is present in population databases (rs780501756, gnomAD 0.01%). This variant has not been reported in the literature in individuals affected with ANK3-related conditions. Invitae Evidence Modeling of protein sequence and biophysical properties (such as structural, functional, and spatial information, amino acid conservation, physicochemical variation, residue mobility, and thermodynamic stability) indicates that this missense variant is not expected to disrupt ANK3 protein function with a negative predictive value of 80%. In summary, the available evidence is currently insufficient to determine the role of this variant in disease. Therefore, it has been classified as a Variant of Uncertain Significance.

NM_020987.5(ANK3):c.6716G>A (p.Arg2239His)

Gene: ANK3 (ankyrin 3; minus strand). Cytogenetic location: 10q21.2.
Variant type: single nucleotide variant.
Coding change: c.6716G>A on transcript NM_020987.5 (MANE Select); coding-DNA position 6716, G replaced by A.
Protein change: p.Arg2239His; replaces arginine 2239 with histidine.
Molecular consequence: missense variant. On other transcripts: intron variant (4).
Genome position (GRCh38, 1-based): chr10:60,074,165, C>T on the plus strand (G>A on the coding strand, the complement: ANK3 is on the minus strand). VCF-style: chr10-60074165-C-T. GRCh37 (hg19) VCF-style: chr10-61833923-C-T.
Other names: c.4388-6156G>A (NM_001204403.2); c.4409-6156G>A (NM_001204404.2); c.4406-6156G>A (NM_001320874.2); c.1808-6156G>A (NM_001149.4); short protein forms R2239H.
Identifiers: ClinVar variation 3716783 (VCV003716783.2).